The following is an entry in ClinVar:

ClinVar aggregate classification (germline): Uncertain significance. Review status: criteria provided, multiple submitters, no conflicts (2 of 4 stars). 4 submissions from 4 submitters: Uncertain significance (4). Last evaluated 2025-09-10.

Conditions:
Hereditary cancer-predisposing syndrome. Also called: Neoplastic Syndromes, Hereditary; Tumor predisposition; Hereditary Cancer Syndrome; Hereditary neoplastic syndrome. Identifiers: Orphanet 140162, MedGen C0027672, MeSH D009386, MONDO:0015356.
Familial melanoma. Also called: Hereditary melanoma; Hereditary cutaneous melanoma. Identifiers: Orphanet 618, MedGen C1512419, MONDO:0018961.

Submissions (4):

Labcorp Genetics (formerly Invitae), Labcorp
Classification: Uncertain significance for Familial melanoma. Last evaluated: 2025-09-10. Review status: criteria provided, single submitter. Criteria: Invitae Variant Classification Sherloc (09022015). Collection method: clinical testing. Allele origin: germline.
Comment: This sequence change replaces glycine, which is neutral and non-polar, with serine, which is neutral and polar, at codon 224 of the CDK4 protein (p.Gly224Ser). This variant is not present in population databases (gnomAD no frequency). This variant has not been reported in the literature in individuals affected with CDK4-related conditions. ClinVar contains an entry for this variant (Variation ID: 483293). Invitae Evidence Modeling of protein sequence and biophysical properties (such as structural, functional, and spatial information, amino acid conservation, physicochemical variation, residue mobility, and thermodynamic stability) indicates that this missense variant is not expected to disrupt CDK4 protein function with a negative predictive value of 95%. In summary, the available evidence is currently insufficient to determine the role of this variant in disease. Therefore, it has been classified as a Variant of Uncertain Significance.

Ambry Genetics
Classification: Uncertain significance for Hereditary cancer-predisposing syndrome. Last evaluated: 2025-05-16. Review status: criteria provided, single submitter. Criteria: Ambry Variant Classification Scheme 2023. Collection method: clinical testing. Allele origin: germline.
Comment: The p.G224S variant (also known as c.670G>A), located in coding exon 5 of the CDK4 gene, results from a G to A substitution at nucleotide position 670. The glycine at codon 224 is replaced by serine, an amino acid with similar properties. This amino acid position is well conserved in available vertebrate species. In addition, this alteration is predicted to be tolerated by in silico analysis. Since supporting evidence is limited at this time, the clinical significance of this alteration remains unclear.

GeneDx
Classification: Uncertain significance. Last evaluated: 2024-07-02. Review status: criteria provided, single submitter. Criteria: GeneDx Variant Classification Process June 2021. Collection method: clinical testing. Allele origin: germline. Affected: yes.
Comment: Not observed at significant frequency in large population cohorts (gnomAD); In silico analysis indicates that this missense variant does not alter protein structure/function; Has not been previously published as pathogenic or benign to our knowledge

Breakthrough Genomics
Classification: Uncertain significance. Review status: criteria provided, single submitter. Criteria: ACMG Guidelines, 2015. Collection method: not provided. Allele origin: germline. Inheritance: Autosomal dominant inheritance. Affected: yes.

NM_000075.4(CDK4):c.670G>A (p.Gly224Ser)

Genes: TSPAN31 (tetraspanin 31; plus strand), CDK4 (cyclin dependent kinase 4; minus strand). Cytogenetic location: 12q14.1.
Variant type: single nucleotide variant.
Coding change: c.670G>A on transcript NM_000075.4 (MANE Select); coding-DNA position 670, G replaced by A.
Protein change: p.Gly224Ser; replaces glycine 224 with serine.
Molecular consequence: missense variant. On other transcripts: 3 prime UTR variant (3).
Genome position (GRCh38, 1-based): chr12:57,749,467, C>T on the plus strand (G>A on the coding strand, the complement: CDK4 is on the minus strand). VCF-style: chr12-57749467-C-T. GRCh37 (hg19) VCF-style: chr12-58143250-C-T.
Other names: c.*2177C>T (NM_001330168.2, NM_001330169.2, NM_005981.5); short protein forms G224S.
Identifiers: ClinVar variation 483293 (VCV000483293.16), dbSNP rs1555201123, ClinGen allele CA385543954.